The following is an entry in ClinVar:

NM_001042681.2(RERE):c.4528C>A (p.Pro1510Thr)

Gene: RERE (arginine-glutamic acid dipeptide repeats; minus strand). Cytogenetic location: 1p36.23.
Variant type: single nucleotide variant.
Coding change: c.4528C>A on transcript NM_001042681.2 (MANE Select); coding-DNA position 4528, C replaced by A.
Protein change: p.Pro1510Thr; replaces proline 1510 with threonine.
Molecular consequence: missense variant.
Genome position (GRCh38, 1-based): chr1:8,355,558, G>T on the plus strand (C>A on the coding strand, the complement: RERE is on the minus strand). VCF-style: chr1-8355558-G-T. GRCh37 (hg19) VCF-style: chr1-8415618-G-T.
Other names: c.2866C>A, p.Pro956Thr (NM_001042682.2); c.4528C>A, p.Pro1510Thr (NM_012102.4); short protein forms P1510T, P956T.
Identifiers: ClinVar variation 783922 (VCV000783922.28), dbSNP rs115891071, ClinGen allele CA570749.

ClinVar aggregate classification (germline): Benign/Likely benign. Review status: criteria provided, multiple submitters, no conflicts (2 of 4 stars). 6 submissions from 6 submitters: Benign (2); Likely benign (3). 1 of the submissions does not count toward it. Last evaluated 2026-09-01.

Conditions:
RERE-related disorder. Also called: RERE-Related Disorders; RERE-related condition. Identifiers: MedGen CN381537.
Neurodevelopmental disorder with or without anomalies of the brain, eye, or heart (NEDBEH). Identifiers: Orphanet 494344, MedGen C5567477, MONDO:0014857, OMIM 616975.

Allele frequency attached by ClinVar (database versions not stated): 1000 Genomes Project 0.00459; 1000 Genomes Project 30x 0.00484; gnomAD 0.00506 and 0.00535; ESP Exome Variant Server 0.00524; TOPMed 0.00550.
gnomAD v4.1: 1,967 of 1,604,514 alleles (0.12%); highest among the groups gnomAD compares: African/African-American, 1.4%; 6 homozygotes.

Submissions (6):

CeGaT Center for Human Genetics Tuebingen
Classification: Likely benign. Last evaluated: 2026-09-01. Review status: criteria provided, single submitter. Criteria: CeGaT Center For Human Genetics Tuebingen Variant Classification Criteria Version 2. Collection method: clinical testing. Allele origin: germline. Affected: yes. Observed: 8 variant alleles.
Comment: RERE: BS1

Labcorp Genetics (formerly Invitae), Labcorp
Classification: Benign. Last evaluated: 2026-01-27. Review status: criteria provided, single submitter. Criteria: Invitae Variant Classification Sherloc (09022015). Collection method: clinical testing. Allele origin: germline.

Blueprint Genetics
Classification: Likely benign. Last evaluated: 2024-09-23. Review status: criteria provided, single submitter. Criteria: ACMG Guidelines, 2015. Collection method: clinical testing. Allele origin: germline.

Fulgent Genetics
Classification: Likely benign for Neurodevelopmental disorder with or without anomalies of the brain, eye, or heart. Last evaluated: 2021-11-12. Review status: criteria provided, single submitter. Criteria: ACMG Guidelines, 2015. Collection method: clinical testing. Allele origin: unknown.

Breakthrough Genomics
Classification: Benign. Review status: criteria provided, single submitter. Criteria: ACMG Guidelines, 2015. Collection method: not provided. Allele origin: germline. Inheritance: Autosomal dominant inheritance. Affected: yes.

PreventionGenetics, part of Exact Sciences
Classification: Benign for RERE-related condition. Last evaluated: 2022-11-29. Review status: no assertion criteria provided. Collection method: clinical testing. Allele origin: germline. Not counted in ClinVar's aggregate classification.
Comment: This variant is classified as benign based on ACMG/AMP sequence variant interpretation guidelines (Richards et al. 2015 PMID: 25741868, with internal and published modifications).